The following is an entry in ClinVar:

NM_001365536.1(SCN9A):c.*18A>G

Genes: SCN1A-AS1 (SCN1A and SCN9A antisense RNA 1; plus strand), SCN9A (sodium voltage-gated channel alpha subunit 9; minus strand). Cytogenetic location: 2q24.3.
Variant type: single nucleotide variant.
Coding change: c.*18A>G on transcript NM_001365536.1 (MANE Select); 18 bases downstream of the stop codon, A replaced by G.
Molecular consequence: 3 prime UTR variant.
Genome position (GRCh38, 1-based): chr2:166,198,654, T>C on the plus strand (A>G on the coding strand, the complement: SCN9A is on the minus strand). VCF-style: chr2-166198654-T-C. GRCh37 (hg19) VCF-style: chr2-167055164-T-C.
Other names: c.*18A>G (NM_002977.4).
Identifiers: ClinVar variation 331960 (VCV000331960.6), dbSNP rs150401869, ClinGen allele CA1943585.

ClinVar aggregate classification (germline): Benign. Review status: criteria provided, single submitter (1 of 4 stars). 3 submissions from 1 submitter: Benign (3). Last evaluated 2018-01-13.

Conditions:
Channelopathy-associated congenital insensitivity to pain, autosomal recessive. Also called: Insensitivity to pain, channelopathy-associated; ASYMBOLIA FOR PAIN; CONGENITAL ANALGESIA, AUTOSOMAL RECESSIVE. Identifiers: Orphanet 88642, Orphanet 970, MedGen C1855739, MONDO:0009459, OMIM 243000.
Paroxysmal extreme pain disorder (PEXPD). Also called: PAIN, SUBMANDIBULAR, OCULAR, AND RECTAL, WITH FLUSHING; RECTAL PAIN, FAMILIAL; SCN9A Paroxysmal Extreme Pain Disorder (SCN9A-PEPD). Identifiers: Orphanet 46348, MedGen C1833661, MONDO:0008179, OMIM 167400.
Primary erythromelalgia. Also called: SCN9A Erythromelalgia (SCN9A-EM); primary erythermalgia. Identifiers: Orphanet 306577, Orphanet 90026, MedGen C0014805, MONDO:0007571, OMIM 133020.

Allele frequency attached by ClinVar (database versions not stated): gnomAD 0.00026 and 0.00031; TOPMed 0.00028; gnomAD exomes 0.00073; ExAC 0.00116; 1000 Genomes Project 30x 0.00156; 1000 Genomes Project 0.00180.
gnomAD v4.1: 369 of 1,529,094 alleles (0.024%); highest among the groups gnomAD compares: East Asian, 0.81%; 1 homozygote.

Submissions (3):

Illumina Laboratory Services, Illumina
Classification: Benign for Paroxysmal extreme pain disorder. Last evaluated: 2018-01-13. Review status: criteria provided, single submitter. Criteria: ICSL Variant Classification Criteria 13 December 2019. Collection method: clinical testing. Allele origin: germline.
Comment: This variant was observed in the ICSL laboratory as part of a predisposition screen in an ostensibly healthy population. It had not been previously curated by ICSL or reported in the Human Gene Mutation Database (HGMD: prior to June 1st, 2018), and was therefore a candidate for classification through an automated scoring system. Utilizing variant allele frequency, disease prevalence and penetrance estimates, and inheritance mode, an automated score was calculated to assess if this variant is too frequent to cause the disease. Based on the score and internal cut-off values, a variant classified as benign is not then subjected to further curation. The score for this variant resulted in a classification of benign for this disease.

Illumina Laboratory Services, Illumina
Classification: Benign for Channelopathy-associated congenital insensitivity to pain, autosomal recessive. Last evaluated: 2018-01-13. Review status: criteria provided, single submitter. Criteria: ICSL Variant Classification Criteria 13 December 2019. Collection method: clinical testing. Allele origin: germline.
Comment: the same text as in the submission from Illumina Laboratory Services, Illumina above.

Illumina Laboratory Services, Illumina
Classification: Benign for Primary erythromelalgia. Last evaluated: 2018-01-13. Review status: criteria provided, single submitter. Criteria: ICSL Variant Classification Criteria 13 December 2019. Collection method: clinical testing. Allele origin: germline.
Comment: the same text as in the submission from Illumina Laboratory Services, Illumina above.